The following is an entry in ClinVar:

ClinVar aggregate classification (germline): Uncertain significance. Review status: criteria provided, multiple submitters, no conflicts (2 of 4 stars). 3 submissions from 3 submitters: Uncertain significance (3). Last evaluated 2025-05-01.

gnomAD v4.1: 4 of 1,614,216 alleles (0.00025%); highest among the groups gnomAD compares: Middle Eastern, 0.016%; no homozygotes.

Submissions (3):

CeGaT Center for Human Genetics Tuebingen
Classification: Uncertain significance. Last evaluated: 2025-05-01. Review status: criteria provided, single submitter. Criteria: CeGaT Center For Human Genetics Tuebingen Variant Classification Criteria Version 2. Collection method: clinical testing. Allele origin: germline. Affected: yes. Observed: 1 variant allele.
Comment: LRP5: PM2

Blueprint Genetics
Classification: Uncertain significance. Last evaluated: 2024-11-08. Review status: criteria provided, single submitter. Criteria: ACMG Guidelines, 2015. Collection method: clinical testing. Allele origin: germline.

GeneDx
Classification: Uncertain significance. Last evaluated: 2024-05-02. Review status: criteria provided, single submitter. Criteria: GeneDx Variant Classification Process June 2021. Collection method: clinical testing. Allele origin: germline. Affected: yes.
Comment: Not observed at significant frequency in large population cohorts (gnomAD); In silico analysis indicates that this missense variant does not alter protein structure/function; Has not been previously published as pathogenic or benign to our knowledge

NM_002335.4(LRP5):c.4201G>A (p.Gly1401Ser)

Gene: LRP5 (LDL receptor related protein 5; plus strand). Cytogenetic location: 11q13.2.
Variant type: single nucleotide variant.
Coding change: c.4201G>A on transcript NM_002335.4 (MANE Select); coding-DNA position 4201, G replaced by A.
Protein change: p.Gly1401Ser; replaces glycine 1401 with serine.
Molecular consequence: missense variant.
Genome position (GRCh38, 1-based): chr11:68,438,535, G>A. VCF-style: chr11-68438535-G-A. GRCh37 (hg19) VCF-style: chr11-68206003-G-A.
Other names: c.2458G>A, p.Gly820Ser (NM_001291902.2); short protein forms G1401S, G820S.
Identifiers: ClinVar variation 3375978 (VCV003375978.12).